The following is an entry in ClinVar:

ClinVar aggregate classification (germline): Likely pathogenic (1 of 4 stars; one submission).

Conditions:
X-linked Alport syndrome (ATS1). Also called: NEPHROPATHY AND DEAFNESS, X-LINKED; COL4A5-Related Nephropathy. Identifiers: Orphanet 63, Orphanet 88917, MedGen C4746986, MONDO:0010520, OMIM 301050.

Submission:

Myriad Genetics, Inc.
Classification: Likely pathogenic for X-linked Alport syndrome. Last evaluated: 2019-11-06. Review status: criteria provided, single submitter. Criteria: Myriad Women's Health Autosomal Recessive and X-Linked Classification Criteria (2019). Collection method: clinical testing. Allele origin: unknown.
Comment: NM_000495.4(COL4A5):c.745A>T(R249*) is expected to be pathogenic in the context of X-linked Alport syndrome. This variant is predicted to lead to an abnormal or absent protein product due to the creation of a premature termination codon in COL4A5, a gene where loss-of-function variants are known to be pathogenic. Please note: this variant was assessed in the context of healthy population screening.

NM_033380.3(COL4A5):c.745A>T (p.Arg249Ter)

Gene: COL4A5 (collagen type IV alpha 5 chain; plus strand). Cytogenetic location: Xq22.3.
Variant type: single nucleotide variant.
Coding change: c.745A>T on transcript NM_033380.3 (MANE Select); coding-DNA position 745, A replaced by T.
Protein change: p.Arg249Ter; replaces arginine 249 with a stop codon.
Molecular consequence: nonsense.
Genome position (GRCh38, 1-based): chrX:108,578,348, A>T. VCF-style: chrX-108578348-A-T. GRCh37 (hg19) VCF-style: chrX-107821578-A-T.
Other names: c.745A>T, p.Arg249Ter (NM_000495.5); short protein forms R249*.
Identifiers: ClinVar variation 983611 (VCV000983611.3), dbSNP rs2066188778, ClinGen allele CA413924365.